The following is an entry in ClinVar:

ClinVar aggregate classification (germline): Pathogenic. Review status: criteria provided, multiple submitters, no conflicts (2 of 4 stars). 7 submissions from 7 submitters: Pathogenic (6). 1 of the submissions does not count toward it. Last evaluated 2025-12-14.

Conditions:
Kabuki syndrome. Also called: NIIKAWA-KUROKI SYNDROME; Kabuki make-up syndrome. Identifiers: Orphanet 2322, MedGen C0796004, MONDO:0016512.
Kabuki syndrome 1 (KABUK1). Also called: KMT2D-Related Kabuki Syndrome. Identifiers: Orphanet 2322, MedGen CN030661, MONDO:0007843, OMIM 147920.

Submissions (7):

GeneDx
Classification: Pathogenic. Last evaluated: 2025-12-14. Review status: criteria provided, single submitter. Criteria: GeneDx Variant Classification Process June 2021. Collection method: clinical testing. Allele origin: germline. Affected: yes.
Comment: Nonsense variant predicted to result in protein truncation or nonsense mediated decay in a gene for which loss of function is a known mechanism of disease; Not observed at significant frequency in large population cohorts (gnomAD); This variant is associated with the following publications: (PMID: 39936499, 31727177, 25142838, 33057194, 36891680, 35982159, 38859884)

Labcorp Genetics (formerly Invitae), Labcorp
Classification: Pathogenic for Kabuki syndrome. Last evaluated: 2025-04-03. Review status: criteria provided, single submitter. Criteria: Invitae Variant Classification Sherloc (09022015). Collection method: clinical testing. Allele origin: germline.
Comment: This sequence change creates a premature translational stop signal (p.Arg1252*) in the KMT2D gene. It is expected to result in an absent or disrupted protein product. Loss-of-function variants in KMT2D are known to be pathogenic (PMID: 22126750). This variant is not present in population databases (gnomAD no frequency). This premature translational stop signal has been observed in individual(s) with clinical features of Kabuki syndrome (PMID: 25142838). ClinVar contains an entry for this variant (Variation ID: 167228). For these reasons, this variant has been classified as Pathogenic.

Baylor Genetics
Classification: Pathogenic for Kabuki syndrome 1. Last evaluated: 2024-02-12. Review status: criteria provided, single submitter. Criteria: ACMG Guidelines, 2015. Collection method: clinical testing. Allele origin: unknown.

Genetic Services Laboratory, University of Chicago
Classification: Pathogenic. Last evaluated: 2021-08-20. Review status: criteria provided, single submitter. Criteria: ACMG Guidelines, 2015. Collection method: clinical testing. Allele origin: germline. Affected: yes.
Comment: DNA sequence analysis of the KMT2D gene demonstrated a sequence change, c.3754C>T, which results in the creation of a premature stop codon at amino acid position 1252, .p.Arg1252*. This pathogenic sequence change is predicted to result in an abnormal transcript, which may be degraded, or may lead to the production of a truncated KMT2D protein with potentially abnormal function. This pathogenic sequence change has previously been described in a patient with Kabuki syndrome (PMID: 25142838). This sequence change is absent from the large population databases such as ExAC and gnomAD.

Institute of Human Genetics Munich, TUM University Hospital
Classification: Pathogenic for Kabuki syndrome 1. Last evaluated: 2017-11-08. Review status: criteria provided, single submitter. Criteria: Classification criteria August 2017. Collection method: clinical testing. Allele origin: de novo. Inheritance: Autosomal dominant inheritance. Affected: yes. Observed: 1 heterozygote.

Eurofins Ntd Llc (ga)
Classification: Pathogenic. Last evaluated: 2014-03-24. Review status: criteria provided, single submitter. Criteria: EGL Classification Definitions. Collection method: clinical testing. Allele origin: germline. Observed: 1 variant allele, 1 heterozygote.

Laboratory of Research in Genomics, Genetics and Bioinformatics, Hospital Infantil de Mexico Federico Gomez
Classification: Pathogenic for Kabuki syndrome 1. Last evaluated: 2025-04-08. Review status: no assertion criteria provided. Collection method: research. Allele origin: germline. Affected: yes. Not counted in ClinVar's aggregate classification.

Literature cited by the submitters: PubMed 22126750 (cited by Labcorp Genetics (formerly Invitae), Labcorp); PubMed 25142838 (cited by Labcorp Genetics (formerly Invitae), Labcorp).

NM_003482.4(KMT2D):c.3754C>T (p.Arg1252Ter)

Genes: KMT2D (lysine methyltransferase 2D; minus strand), LOC126861520 (CDK7 strongly-dependent group 2 enhancer GRCh37_chr12:49442744-49443943; plus strand). Cytogenetic location: 12q13.12.
Variant type: single nucleotide variant.
Coding change: c.3754C>T on transcript NM_003482.4 (MANE Select); coding-DNA position 3754, C replaced by T.
Protein change: p.Arg1252Ter; replaces arginine 1252 with a stop codon.
Molecular consequence: nonsense.
Genome position (GRCh38, 1-based): chr12:49,049,834, G>A on the plus strand (C>T on the coding strand, the complement: KMT2D is on the minus strand). VCF-style: chr12-49049834-G-A. GRCh37 (hg19) VCF-style: chr12-49443617-G-A.
Other names: short protein forms R1252*.
Identifiers: ClinVar variation 167228 (VCV000167228.24), dbSNP rs727503987, ClinGen allele CA234183.